The following is an entry in ClinVar:

ClinVar aggregate classification (germline): Pathogenic (1 of 4 stars; one submission).

Conditions:
T-cell immunodeficiency, congenital alopecia, and nail dystrophy. Also called: Congenital alopecia and nail dystrophy associated with severe functional T-cell immunodeficiency; Pignata Guarino syndrome. Identifiers: Orphanet 169095, MedGen C1866426, MONDO:0011132, OMIM 601705.

Submission:

Labcorp Genetics (formerly Invitae), Labcorp
Classification: Pathogenic for T-cell immunodeficiency, congenital alopecia, and nail dystrophy. Last evaluated: 2019-11-28. Review status: criteria provided, single submitter. Criteria: Invitae Variant Classification Sherloc (09022015). Collection method: clinical testing. Allele origin: germline.
Comment: This variant has not been reported in the literature in individuals with FOXN1-related conditions. For these reasons, this variant has been classified as Pathogenic. Loss-of-function variants in FOXN1 are known to be pathogenic (PMID: 10206641, 15180707, 31447097). This variant is not present in population databases (ExAC no frequency). This sequence change creates a premature translational stop signal (p.Asp164Thrfs*138) in the FOXN1 gene. It is expected to result in an absent or disrupted protein product.

Literature cited by the submitters: PubMed 10206641; PubMed 15180707; PubMed 31447097.

NM_001369369.1(FOXN1):c.490del (p.Asp164fs)

Gene: FOXN1 (forkhead box N1; plus strand). Cytogenetic location: 17q11.2.
Variant type: Deletion.
Coding change: c.490del on transcript NM_001369369.1 (MANE Select); coding-DNA position 490, one base deleted (G; older notation c.490delG).
Protein change: p.Asp164fs; shifts the reading frame from aspartic acid 164.
Molecular consequence: frameshift variant.
Genome position (GRCh38, 1-based): chr17:28,524,869, G deleted; the last of 2 consecutive G bases (chr17:28,524,868-28,524,869); deleting either gives the same sequence. VCF-style (leftmost placement, unchanged base first): chr17-28524867-TG-T. GRCh37 (hg19) VCF-style: chr17-26851885-TG-T.
Other names: c.490del, p.Asp164fs (NM_003593.3); short protein forms D164fs.
Identifiers: ClinVar variation 839513 (VCV000839513.7), dbSNP rs2069729948, ClinGen allele CA916082433.